The following is an entry in ClinVar:

ClinVar aggregate classification (germline): Uncertain significance (1 of 4 stars; one submission).

Conditions:
Aortic aneurysm, familial thoracic 8 (AAT8). Identifiers: MedGen C3809513, MONDO:0014187, OMIM 615436.

Submission:

Labcorp Genetics (formerly Invitae), Labcorp
Classification: Uncertain significance for Aortic aneurysm, familial thoracic 8. Last evaluated: 2022-10-19. Review status: criteria provided, single submitter. Criteria: Invitae Variant Classification Sherloc (09022015). Collection method: clinical testing. Allele origin: germline.
Comment: This variant results in a copy number gain of the genomic region encompassing exon(s) 8-9 of the PRKG1 gene. While the exact position of this variant cannot be determined from the data, sub-genic copy number gains are generally in tandem (PMID: 25640679). This variant is predicted to be in-frame, and likely preserves the integrity of the reading frame. This variant has not been reported in the literature in individuals affected with PRKG1-related conditions. Experimental studies and prediction algorithms are not available or were not evaluated, and the functional significance of this variant is currently unknown. In summary, the available evidence is currently insufficient to determine the role of this variant in disease. Therefore, it has been classified as a Variant of Uncertain Significance.

Literature cited by the submitters: PubMed 25640679.

NC_000010.10:g.(?_53893580)_(53921743_?)dup

Gene: PRKG1 (protein kinase cGMP-dependent 1; plus strand). Cytogenetic location: 10q21.1.
Variant type: Duplication.
Identifiers: ClinVar variation 584252 (VCV000584252.2).